The following is an entry in ClinVar:

ClinVar aggregate classification (germline): Uncertain significance (1 of 4 stars; one submission).

Conditions:
Emery-Dreifuss muscular dystrophy 4, autosomal dominant (EDMD4). Also called: EMERY-DREIFUSS MUSCULAR DYSTROPHY 4 WITH VARIABLE FEATURES. Identifiers: Orphanet 261, MedGen C2751807, MONDO:0013071, OMIM 612998.
Autosomal recessive ataxia, Beauce type. Also called: ATAXIA, RECESSIVE, OF BEAUCE; SYNE1 Deficiency; Spinocerebellar ataxia, autosomal recessive 8; SYNE1-Related Autosomal Recessive Cerebellar Ataxia. Identifiers: Orphanet 88644, MedGen C1853116, MONDO:0012549, OMIM 610743.

Allele frequency attached by ClinVar (database versions not stated): gnomAD exomes below 0.00001.
gnomAD v4.1: 1 of 1,614,150 alleles (0.000062%); highest among the groups gnomAD compares: Non-Finnish European, 0.000085%; no homozygotes.

Submission:

Labcorp Genetics (formerly Invitae), Labcorp
Classification: Uncertain significance for Emery-Dreifuss muscular dystrophy 4, autosomal dominant; Spinocerebellar ataxia, autosomal recessive 8. Last evaluated: 2019-03-20. Review status: criteria provided, single submitter. Criteria: Invitae Variant Classification Sherloc (09022015). Collection method: clinical testing. Allele origin: germline.
Comment: This sequence change replaces glutamine with histidine at codon 2555 of the SYNE1 protein (p.Gln2555His). The glutamine residue is moderately conserved and there is a small physicochemical difference between glutamine and histidine. This variant is not present in population databases (ExAC no frequency). This variant has not been reported in the literature in individuals with SYNE1-related conditions. Algorithms developed to predict the effect of missense changes on protein structure and function output the following: SIFT: "Tolerated"; PolyPhen-2: "Benign"; Align-GVGD: "Class C0". The histidine amino acid residue is found in multiple mammalian species, suggesting that this missense change does not adversely affect protein function. These predictions have not been confirmed by published functional studies and their clinical significance is uncertain. In summary, the available evidence is currently insufficient to determine the role of this variant in disease. Therefore, it has been classified as a Variant of Uncertain Significance.

NM_182961.4(SYNE1):c.7644G>C (p.Gln2548His)

Gene: SYNE1 (spectrin repeat containing nuclear envelope protein 1; minus strand). Cytogenetic location: 6q25.2.
Variant type: single nucleotide variant.
Coding change: c.7644G>C on transcript NM_182961.4 (MANE Select); coding-DNA position 7644, G replaced by C.
Protein change: p.Gln2548His; replaces glutamine 2548 with histidine.
Molecular consequence: missense variant.
Genome position (GRCh38, 1-based): chr6:152,395,584, C>G on the plus strand (G>C on the coding strand, the complement: SYNE1 is on the minus strand). VCF-style: chr6-152395584-C-G. GRCh37 (hg19) VCF-style: chr6-152716719-C-G.
Other names: c.7665G>C, p.Gln2555His (NM_033071.5); short protein forms Q2555H, Q2548H.
Identifiers: ClinVar variation 858288 (VCV000858288.1), dbSNP rs2097719630, ClinGen allele CA366111242.